The following is an entry in ClinVar:

NM_003742.4(ABCB11):c.3365G>A (p.Ser1122Asn)

Gene: ABCB11 (ATP binding cassette subfamily B member 11; minus strand). Cytogenetic location: 2q31.1.
Variant type: single nucleotide variant.
Coding change: c.3365G>A on transcript NM_003742.4 (MANE Select); coding-DNA position 3365, G replaced by A.
Protein change: p.Ser1122Asn; replaces serine 1122 with asparagine.
Molecular consequence: missense variant.
Genome position (GRCh38, 1-based): chr2:168,930,711, C>T on the plus strand (G>A on the coding strand, the complement: ABCB11 is on the minus strand). VCF-style: chr2-168930711-C-T. GRCh37 (hg19) VCF-style: chr2-169787221-C-T.
Other names: short protein forms S1122N.
Identifiers: ClinVar variation 3050079 (VCV003050079.2), dbSNP rs1016053414, ClinGen allele CA59872354.

ClinVar aggregate classification (germline): Uncertain significance (0 of 4 stars; one submission).

Conditions:
ABCB11-related disorder. Also called: ABCB11-related condition.

Allele frequency attached by ClinVar (database versions not stated): gnomAD exomes below 0.00001.
gnomAD v4.1: 4 of 1,592,792 alleles (0.00025%); highest among the groups gnomAD compares: Non-Finnish European, 0.00034%; no homozygotes.

Submission:

PreventionGenetics, part of Exact Sciences
Classification: Uncertain significance for ABCB11-related condition. Last evaluated: 2023-11-07. Review status: no assertion criteria provided. Collection method: clinical testing. Allele origin: germline.
Comment: The ABCB11 c.3365G>A variant is predicted to result in the amino acid substitution p.Ser1122Asn. To our knowledge, this variant has not been reported in the literature or in a large population database, indicating this variant is rare. At this time, the clinical significance of this variant is uncertain due to the absence of conclusive functional and genetic evidence.